The following is an entry in ClinVar:

NM_003626.5(PPFIA1):c.1132C>T (p.Leu378=)

Gene: PPFIA1 (PTPRF interacting protein alpha 1; plus strand). Cytogenetic location: 11q13.3.
Variant type: single nucleotide variant.
Coding change: c.1132C>T on transcript NM_003626.5 (MANE Select); coding-DNA position 1132, C replaced by T.
Protein change: p.Leu378=; no amino-acid change (leucine 378 retained).
Molecular consequence: synonymous variant. On other transcripts: non-coding transcript variant (1).
Genome position (GRCh38, 1-based): chr11:70,332,014, C>T. VCF-style: chr11-70332014-C-T. GRCh37 (hg19) VCF-style: chr11-70178120-C-T.
Other names: c.1132C>T, p.Leu378= (NM_001378006.1, NM_177423.3).
Identifiers: ClinVar variation 3044332 (VCV003044332.2), dbSNP rs1405537094, ClinGen allele CA475238708.
Genomic context (GRCh38, chr11:70,332,014, plus strand): 5'-TTATAGACTGAAGATAAAAACCGCCAGTTACAGGAGCGCTTGGAATTGGCAGAGCAAAAG[C>T]TGCAACAGACACTGAGGAAGGCAGAGACGCTCCCGGAGGTGGAGGCGGAGCTGGCCCAGA-3'
Protein context (NP_003617.1, residues 368-388): QERLELAEQK[Leu378=]QQTLRKAETL

ClinVar aggregate classification (germline): Likely benign (0 of 4 stars; one submission).

Conditions:
PPFIA1-related disorder. Also called: PPFIA1-related condition.

Allele frequency attached by ClinVar (database versions not stated): gnomAD 0.00001; gnomAD exomes 0.00001; TOPMed 0.00004.
gnomAD v4.1: 9 of 1,613,150 alleles (0.00056%); highest among the groups gnomAD compares: Admixed American, 0.015%; no homozygotes.

Submission:

PreventionGenetics, part of Exact Sciences
Classification: Likely benign for PPFIA1-related condition. Last evaluated: 2019-05-31. Review status: no assertion criteria provided. Collection method: clinical testing. Allele origin: germline.
Comment: This variant is classified as likely benign based on ACMG/AMP sequence variant interpretation guidelines (Richards et al. 2015 PMID: 25741868, with internal and published modifications).